The following is an entry in ClinVar:

NM_006922.4(SCN3A):c.3544G>T (p.Val1182Leu)

Gene: SCN3A (sodium voltage-gated channel alpha subunit 3; minus strand). Cytogenetic location: 2q24.3.
Variant type: single nucleotide variant.
Coding change: c.3544G>T on transcript NM_006922.4 (MANE Select); coding-DNA position 3544, G replaced by T.
Protein change: p.Val1182Leu; replaces valine 1182 with leucine.
Molecular consequence: missense variant.
Genome position (GRCh38, 1-based): chr2:165,113,941, C>A on the plus strand (G>T on the coding strand, the complement: SCN3A is on the minus strand). VCF-style: chr2-165113941-C-A. GRCh37 (hg19) VCF-style: chr2-165970451-C-A.
Other names: c.3397G>T, p.Val1133Leu (NM_001081676.2, NM_001081677.2); short protein forms V1133L, V1182L.
Identifiers: ClinVar variation 1490118 (VCV001490118.8), dbSNP rs1477240711, ClinGen allele CA349034156.

ClinVar aggregate classification (germline): Uncertain significance (1 of 4 stars; one submission).

Allele frequency attached by ClinVar (database versions not stated): gnomAD exomes 0.00001.
gnomAD v4.1: 6 of 1,608,770 alleles (0.00037%); highest among the groups gnomAD compares: Middle Eastern, 0.017%; no homozygotes.

Submission:

Labcorp Genetics (formerly Invitae), Labcorp
Classification: Uncertain significance. Last evaluated: 2025-03-31. Review status: criteria provided, single submitter. Criteria: Invitae Variant Classification Sherloc (09022015). Collection method: clinical testing. Allele origin: germline.
Comment: This sequence change replaces valine, which is neutral and non-polar, with leucine, which is neutral and non-polar, at codon 1182 of the SCN3A protein (p.Val1182Leu). This variant is present in population databases (no rsID available, gnomAD 0.002%). This variant has not been reported in the literature in individuals affected with SCN3A-related conditions. ClinVar contains an entry for this variant (Variation ID: 1490118). Invitae Evidence Modeling of protein sequence and biophysical properties (such as structural, functional, and spatial information, amino acid conservation, physicochemical variation, residue mobility, and thermodynamic stability) has been performed for this missense variant. However, the output from this modeling did not meet the statistical confidence thresholds required to predict the impact of this variant on SCN3A protein function. In summary, the available evidence is currently insufficient to determine the role of this variant in disease. Therefore, it has been classified as a Variant of Uncertain Significance.